The following is an entry in ClinVar:

ClinVar aggregate classification (germline): Uncertain significance. Review status: criteria provided, multiple submitters, no conflicts (2 of 4 stars). 2 submissions from 2 submitters: Uncertain significance (2). Last evaluated 2023-12-19.

Conditions:
Inborn genetic diseases. Identifiers: MedGen C0950123, MeSH D030342.

Allele frequency attached by ClinVar (database versions not stated): gnomAD exomes 0.00001; ExAC 0.00005; TOPMed 0.00014.

Submissions (2):

Ambry Genetics
Classification: Uncertain significance for Inborn genetic diseases. Last evaluated: 2023-12-19. Review status: criteria provided, single submitter. Criteria: Ambry Variant Classification Scheme 2023. Collection method: clinical testing. Allele origin: germline.

Labcorp Genetics (formerly Invitae), Labcorp
Classification: Uncertain significance. Last evaluated: 2022-11-01. Review status: criteria provided, single submitter. Criteria: Invitae Variant Classification Sherloc (09022015). Collection method: clinical testing. Allele origin: germline.
Comment: This sequence change replaces arginine, which is basic and polar, with cysteine, which is neutral and slightly polar, at codon 400 of the USH1C protein (p.Arg400Cys). This variant is present in population databases (rs759009035, gnomAD 0.02%). This variant has not been reported in the literature in individuals affected with USH1C-related conditions. Algorithms developed to predict the effect of missense changes on protein structure and function are either unavailable or do not agree on the potential impact of this missense change (SIFT: "Tolerated"; PolyPhen-2: "Possibly Damaging"; Align-GVGD: "Class C0"). Algorithms developed to predict the effect of sequence changes on RNA splicing suggest that this variant may create or strengthen a splice site. In summary, the available evidence is currently insufficient to determine the role of this variant in disease. Therefore, it has been classified as a Variant of Uncertain Significance.

NM_153676.4(USH1C):c.1198C>T (p.Arg400Cys)

Gene: USH1C (USH1 protein network component harmonin; minus strand). Cytogenetic location: 11p15.1.
Variant type: single nucleotide variant.
Coding change: c.1198C>T on transcript NM_153676.4 (MANE Select); coding-DNA position 1198, C replaced by T.
Protein change: p.Arg400Cys; replaces arginine 400 with cysteine.
Molecular consequence: missense variant. On other transcripts: non-coding transcript variant (1).
Genome position (GRCh38, 1-based): chr11:17,520,882, G>A on the plus strand (C>T on the coding strand, the complement: USH1C is on the minus strand). VCF-style: chr11-17520882-G-A. GRCh37 (hg19) VCF-style: chr11-17542429-G-A.
Other names: c.1141C>T, p.Arg381Cys (NM_001297764.2); c.1198C>T, p.Arg400Cys (NM_005709.4); c.1198C>T (NM_005709.3); short protein forms R400C, R381C.
Identifiers: ClinVar variation 2081399 (VCV002081399.2), dbSNP rs759009035, ClinGen allele CA5904693.